The following is an entry in ClinVar:

NM_000168.6(GLI3):c.321G>A (p.Thr107=)

Gene: GLI3 (GLI family zinc finger 3; minus strand). Cytogenetic location: 7p14.1.
Variant type: single nucleotide variant.
Coding change: c.321G>A on transcript NM_000168.6 (MANE Select); coding-DNA position 321, G replaced by A.
Protein change: p.Thr107=; no amino-acid change (threonine 107 retained).
Molecular consequence: synonymous variant.
Genome position (GRCh38, 1-based): chr7:42,148,272, C>T on the plus strand (G>A on the coding strand, the complement: GLI3 is on the minus strand). VCF-style: chr7-42148272-C-T. GRCh37 (hg19) VCF-style: chr7-42187871-C-T.
Identifiers: ClinVar variation 4281121 (VCV004281121.7).
Genomic context (GRCh38, chr7:42,148,272, plus strand): 5'-GCATGGGCACTTACGGTAGTGGGGCTCCATGTAACCATTCCTGGGGTCCATGGCAAACAC[C>T]GTCCCGCGGTACGGCACAGAGGGCTCCGCCACGTGTGGCAGGGACCCATGGATCTCTTTC-3'
Protein context (NP_000159.3, residues 97-117): VAEPSVPYRG[Thr107=]VFAMDPRNGY

ClinVar aggregate classification (germline): Likely benign (1 of 4 stars; one submission).

gnomAD v4.1: 44 of 1,612,620 alleles (0.0027%); highest among the groups gnomAD compares: Non-Finnish European, 0.0036%; no homozygotes.

Submission:

CeGaT Center for Human Genetics Tuebingen
Classification: Likely benign. Last evaluated: 2025-09-01. Review status: criteria provided, single submitter. Criteria: CeGaT Center For Human Genetics Tuebingen Variant Classification Criteria Version 2. Collection method: clinical testing. Allele origin: germline. Affected: yes. Observed: 1 variant allele.
Comment: GLI3: BP4, BP7